The following is an entry in ClinVar:

ClinVar aggregate classification (germline): Uncertain significance (1 of 4 stars; one submission).

Allele frequency attached by ClinVar (database versions not stated): gnomAD exomes below 0.00001.

Submission:

Labcorp Genetics (formerly Invitae), Labcorp
Classification: Uncertain significance. Last evaluated: 2022-03-02. Review status: criteria provided, single submitter. Criteria: Invitae Variant Classification Sherloc (09022015). Collection method: clinical testing. Allele origin: germline.
Comment: This sequence change replaces aspartic acid, which is acidic and polar, with valine, which is neutral and non-polar, at codon 912 of the LAMB1 protein (p.Asp912Val). This variant is present in population databases (no rsID available, gnomAD 0.0009%). In summary, the available evidence is currently insufficient to determine the role of this variant in disease. Therefore, it has been classified as a Variant of Uncertain Significance. Algorithms developed to predict the effect of sequence changes on RNA splicing suggest that this variant may create or strengthen a splice site. Algorithms developed to predict the effect of missense changes on protein structure and function (SIFT, PolyPhen-2, Align-GVGD) all suggest that this variant is likely to be disruptive. This variant has not been reported in the literature in individuals affected with LAMB1-related conditions.

NM_002291.3(LAMB1):c.2735A>T (p.Asp912Val)

Gene: LAMB1 (laminin subunit beta 1; minus strand). Cytogenetic location: 7q31.1.
Variant type: single nucleotide variant.
Coding change: c.2735A>T on transcript NM_002291.3 (MANE Select); coding-DNA position 2735, A replaced by T.
Protein change: p.Asp912Val; replaces aspartic acid 912 with valine.
Molecular consequence: missense variant.
Genome position (GRCh38, 1-based): chr7:107,955,586, T>A on the plus strand (A>T on the coding strand, the complement: LAMB1 is on the minus strand). VCF-style: chr7-107955586-T-A. GRCh37 (hg19) VCF-style: chr7-107596031-T-A.
Other names: short protein forms D912V.
Identifiers: ClinVar variation 1416320 (VCV001416320.6), dbSNP rs1167978344, ClinGen allele CA368865780.